The following is an entry in ClinVar:

NM_001127453.2(GSDME):c.1016C>G (p.Ser339Trp)

Gene: GSDME (gasdermin E; minus strand). Cytogenetic location: 7p15.3.
Variant type: single nucleotide variant.
Coding change: c.1016C>G on transcript NM_001127453.2 (MANE Select); coding-DNA position 1016, C replaced by G.
Protein change: p.Ser339Trp; replaces serine 339 with tryptophan.
Molecular consequence: missense variant.
Genome position (GRCh38, 1-based): chr7:24,706,351, G>C on the plus strand (C>G on the coding strand, the complement: GSDME is on the minus strand). VCF-style: chr7-24706351-G-C. GRCh37 (hg19) VCF-style: chr7-24745970-G-C.
Other names: c.524C>G, p.Ser175Trp (NM_001127454.2); c.1016C>G, p.Ser339Trp (NM_004403.3); short protein forms S175W, S339W.
Identifiers: ClinVar variation 911172 (VCV000911172.8), dbSNP rs755785416, ClinGen allele CA4191430.

ClinVar aggregate classification (germline): Uncertain significance. Review status: criteria provided, multiple submitters, no conflicts (2 of 4 stars). 3 submissions from 3 submitters: Uncertain significance (3). Last evaluated 2026-09-17.

Conditions:
GSDME-related disorder. Also called: GSDME-related condition.
Inborn genetic diseases. Identifiers: MedGen C0950123, MeSH D030342.
Autosomal dominant nonsyndromic hearing loss 5. Identifiers: Orphanet 90635, MedGen C1832932, MONDO:0010973, OMIM 600994.

Allele frequency attached by ClinVar (database versions not stated): ExAC 0.00002; TOPMed 0.00008.
gnomAD v4.1: 104 of 1,612,946 alleles (0.0064%); highest among the groups gnomAD compares: Non-Finnish European, 0.0081%; no homozygotes.

Submissions (3):

PreventionGenetics, part of Exact Sciences
Classification: Uncertain significance for GSDME-related condition. Last evaluated: 2026-09-17. Review status: criteria provided, single submitter. Criteria: ACMG Guidelines, 2015. Collection method: clinical testing. Allele origin: germline.
Comment: The GSDME c.1016C>G variant is predicted to result in the amino acid substitution p.Ser339Trp. To our knowledge, this variant has not been reported in the literature. This variant is reported in 0.0039% of alleles in individuals of European (Non-Finnish) descent in gnomAD. At this time, the clinical significance of this variant is uncertain due to the absence of conclusive functional and genetic evidence.

Ambry Genetics
Classification: Uncertain significance for Inborn genetic diseases. Last evaluated: 2025-04-10. Review status: criteria provided, single submitter. Criteria: Ambry Variant Classification Scheme 2023. Collection method: clinical testing. Allele origin: germline.

Illumina Laboratory Services, Illumina
Classification: Uncertain significance for Autosomal dominant nonsyndromic hearing loss 5. Last evaluated: 2018-01-13. Review status: criteria provided, single submitter. Criteria: ICSL Variant Classification Criteria 13 December 2019. Collection method: clinical testing. Allele origin: germline.